The following is an entry in ClinVar:

ClinVar aggregate classification (germline): Uncertain significance (1 of 4 stars; one submission).

Submission:

GeneDx
Classification: Uncertain significance. Last evaluated: 2024-03-15. Review status: criteria provided, single submitter. Criteria: GeneDx Variant Classification Process June 2021. Collection method: clinical testing. Allele origin: germline. Affected: yes.
Comment: Not observed at significant frequency in large population cohorts (gnomAD); In silico analysis supports that this missense variant does not alter protein structure/function; Has not been previously published as pathogenic or benign to our knowledge

NM_000252.3(MTM1):c.799A>T (p.Thr267Ser)

Gene: MTM1 (myotubularin 1; plus strand). Cytogenetic location: Xq28.
Variant type: single nucleotide variant.
Coding change: c.799A>T on transcript NM_000252.3 (MANE Select); coding-DNA position 799, A replaced by T.
Protein change: p.Thr267Ser; replaces threonine 267 with serine.
Molecular consequence: missense variant.
Genome position (GRCh38, 1-based): chrX:150,645,803, A>T. VCF-style: chrX-150645803-A-T. GRCh37 (hg19) VCF-style: chrX-149814276-A-T.
Other names: c.799A>T, p.Thr267Ser (NM_001376906.1, NM_001376908.1); c.688A>T, p.Thr230Ser (NM_001376907.1); short protein forms T230S, T267S.
Identifiers: ClinVar variation 3370845 (VCV003370845.1).